The following is an entry in ClinVar:

ClinVar aggregate classification (germline): Uncertain significance. Review status: criteria provided, multiple submitters, no conflicts (2 of 4 stars). 2 submissions from 2 submitters: Uncertain significance (2). Last evaluated 2026-01-18.

Conditions:
GLI3-related disorder. Also called: GLI3-related condition; GLI3-related disorders. Identifiers: MedGen CN239292.
Greig cephalopolysyndactyly syndrome (GCPS). Also called: POLYSYNDACTYLY WITH PECULIAR SKULL SHAPE; Greig syndrome; GLI3-Related Greig Cephalopolysyndactyly Syndrome. Identifiers: Orphanet 380, MedGen C0265306, MONDO:0008287, OMIM 175700.
Pallister-Hall syndrome (PHS). Also called: GLI3-Related Pallister-Hall Syndrome; HYPOTHALAMIC HAMARTOBLASTOMA, HYPOPITUITARISM, IMPERFORATE ANUS, AND POSTAXIAL POLYDACTYLY. Identifiers: Orphanet 672, MedGen C0265220, MONDO:0007804, OMIM 146510.

gnomAD v4.1: 7 of 1,608,054 alleles (0.00044%); highest among the groups gnomAD compares: African/African-American, 0.0013%; no homozygotes.

Submissions (2):

Labcorp Genetics (formerly Invitae), Labcorp
Classification: Uncertain significance for Pallister-Hall syndrome; Greig cephalopolysyndactyly syndrome. Last evaluated: 2026-01-18. Review status: criteria provided, single submitter. Criteria: Invitae Variant Classification Sherloc (09022015). Collection method: clinical testing. Allele origin: germline.
Comment: This sequence change replaces arginine, which is basic and polar, with cysteine, which is neutral and slightly polar, at codon 928 of the GLI3 protein (p.Arg928Cys). This variant is not present in population databases (gnomAD no frequency). This variant has not been reported in the literature in individuals affected with GLI3-related conditions. Invitae Evidence Modeling of protein sequence and biophysical properties (such as structural, functional, and spatial information, amino acid conservation, physicochemical variation, residue mobility, and thermodynamic stability) indicates that this missense variant is not expected to disrupt GLI3 protein function with a negative predictive value of 95%. In summary, the available evidence is currently insufficient to determine the role of this variant in disease. Therefore, it has been classified as a Variant of Uncertain Significance.

PreventionGenetics, part of Exact Sciences
Classification: Uncertain significance for GLI3-related condition. Last evaluated: 2025-10-06. Review status: criteria provided, single submitter. Criteria: ACMG Guidelines, 2015. Collection method: clinical testing. Allele origin: germline.
Comment: The GLI3 c.2782C>T variant is predicted to result in the amino acid substitution p.Arg928Cys. To our knowledge, this variant has not been reported in the literature or in a large population database (gnomAD), indicating this variant is rare. At this time, the clinical significance of this variant is uncertain due to the absence of conclusive functional and genetic evidence.

NM_000168.6(GLI3):c.2782C>T (p.Arg928Cys)

Gene: GLI3 (GLI family zinc finger 3; minus strand). Cytogenetic location: 7p14.1.
Variant type: single nucleotide variant.
Coding change: c.2782C>T on transcript NM_000168.6 (MANE Select); coding-DNA position 2782, C replaced by T.
Protein change: p.Arg928Cys; replaces arginine 928 with cysteine.
Molecular consequence: missense variant.
Genome position (GRCh38, 1-based): chr7:41,966,291, G>A on the plus strand (C>T on the coding strand, the complement: GLI3 is on the minus strand). VCF-style: chr7-41966291-G-A. GRCh37 (hg19) VCF-style: chr7-42005889-G-A.
Other names: c.2782C>T (NM_000168.5); short protein forms R928C.
Identifiers: ClinVar variation 4786370 (VCV004786370.2).
Genomic context (GRCh38, chr7:41,966,291, plus strand): 5'-TGTTGGGCAGGGGCGTCGGCGGCGGCCCTCCTGTGGCAGCCGCGTACTTGGCCTTGAGGC[G>A]GTACTGCTGGGCGGGCGTGAGGCTGAGCAGGCTGGGCAGGCCGTCGCTCTGGCTGGCTTC-3'
Protein context (NP_000159.3, residues 918-938): LLSLTPAQQY[Arg928Cys]LKAKYAAATG